The following is an entry in ClinVar:

ClinVar aggregate classification (germline): Conflicting classifications of pathogenicity. Review status: criteria provided, conflicting classifications (1 of 4 stars). 5 submissions from 5 submitters: Uncertain significance (4); Likely benign (1). Last evaluated 2024-05-14.

Conditions:
Catecholaminergic polymorphic ventricular tachycardia (CVPT). Also called: Catecholamine-induced polymorphic ventricular tachycardia. Identifiers: Orphanet 3286, MedGen C5574922, MONDO:0017990.
Cardiomyopathy (CMYO). Also called: Cardiomyopathies. Identifiers: Orphanet 167848, MedGen C0878544, MONDO:0004994, HP:0001638. Inheritance: Various modes of inheritance.
Catecholaminergic polymorphic ventricular tachycardia 1. Also called: RYR2-Related Catecholaminergic Polymorphic Ventricular Tachycardia; VENTRICULAR TACHYCARDIA, CATECHOLAMINERGIC POLYMORPHIC, 1, WITH OR WITHOUT ATRIAL DYSFUNCTION AND/OR DILATED CARDIOMYOPATHY; VENTRICULAR TACHYCARDIA, STRESS-INDUCED POLYMORPHIC 1. Identifiers: Orphanet 3286, MedGen C1631597, MONDO:0011484, OMIM 604772.

Allele frequency attached by ClinVar (database versions not stated): gnomAD 0.00001; TOPMed 0.00002.
gnomAD v4.1: 3 of 1,613,862 alleles (0.00019%); highest among the groups gnomAD compares: African/African-American, 0.0013%; no homozygotes.

Submissions (5):

All of Us Research Program, National Institutes of Health
Classification: Uncertain significance for Catecholaminergic polymorphic ventricular tachycardia. Last evaluated: 2024-05-14. Review status: criteria provided, single submitter. Criteria: ACMG Guidelines, 2015. Collection method: clinical testing. Allele origin: germline. Inheritance: Autosomal dominant inheritance. Observed: 1 variant allele, 1 heterozygote.
Comment: This missense variant replaces arginine with serine at codon 1941 of the RYR2 protein. Computational prediction suggests that this variant may not impact protein structure and function (internally defined REVEL score threshold <= 0.5, PMID: 27666373). Splice site prediction tools suggest that this variant may not impact RNA splicing. To our knowledge, functional studies have not been performed for this variant. This variant has not been reported in individuals affected with cardiovascular disorders in the literature. This variant has been identified in 2/248956 chromosomes in the general population by the Genome Aggregation Database (gnomAD). The available evidence is insufficient to determine the role of this variant in disease conclusively. Therefore, this variant is classified as a Variant of Uncertain Significance.

This study involves interpretation of variants in research participants for the purpose of population health screening. Participant phenotype was not available at the time of variant classification. Additional details can be found in publication PMID: 35346344, PMCID: PMC8962531

Color Diagnostics, LLC DBA Color Health
Classification: Uncertain significance for Cardiomyopathy. Last evaluated: 2024-04-16. Review status: criteria provided, single submitter. Criteria: ACMG Guidelines, 2015. Collection method: clinical testing. Allele origin: germline.
Comment: This missense variant replaces arginine with serine at codon 1941 of the RYR2 protein. Computational prediction suggests that this variant may not impact protein structure and function. To our knowledge, functional studies have not been performed for this variant. This variant has not been reported in individuals affected with cardiovascular disorders in the literature. This variant has been identified in 2/248956 chromosomes in the general population by the Genome Aggregation Database (gnomAD). The available evidence is insufficient to determine the role of this variant in disease conclusively. Therefore, this variant is classified as a Variant of Uncertain Significance.

Labcorp Genetics (formerly Invitae), Labcorp
Classification: Likely benign for Catecholaminergic polymorphic ventricular tachycardia 1. Last evaluated: 2023-06-29. Review status: criteria provided, single submitter. Criteria: Invitae Variant Classification Sherloc (09022015). Collection method: clinical testing. Allele origin: germline.

Women's Health and Genetics/Laboratory Corporation of America, LabCorp
Classification: Uncertain significance. Last evaluated: 2019-08-12. Review status: criteria provided, single submitter. Criteria: LabCorp Variant Classification Summary - May 2015. Collection method: clinical testing. Allele origin: germline.
Comment: Variant summary: RYR2 c.5821C>A (p.Arg1941Ser) results in a non-conservative amino acid change in the encoded protein sequence. Three of five in-silico tools predict a damaging effect of the variant on protein function. The variant allele was found at a frequency of 8e-06 in 248956 control chromosomes. The available data on variant occurrences in the general population are insufficient to allow any conclusion about variant significance. To our knowledge, no occurrence of c.5821C>A in individuals affected with Arrhythmia and no experimental evidence demonstrating its impact on protein function have been reported. No clinical diagnostic laboratories have submitted clinical-significance assessments for this variant to ClinVar after 2014. Based on the evidence outlined above, the variant was classified as uncertain significance.

GeneDx
Classification: Uncertain significance. Last evaluated: 2014-06-30. Review status: criteria provided, single submitter. Criteria: GeneDx Variant Classification (06012015). Collection method: clinical testing. Allele origin: germline. Affected: yes.
Comment: p.Arg1941Ser (CGT>AGT): c.5821 C>A in exon 38 of the RYR2 gene (NM_001035.2). The R1941S variant has not been published as a mutation or reported as a benign polymorphism to our knowledge. The R1941S variant was not observed in approximately 6200 individuals of European and African American ancestry in the NHLBI Exome Sequencing Project, indicating it is not a common benign variant in these populations. Additionally, this substitution occurs at a position that is conserved across species. The R1941S variant is a semi-conservative amino acid substitution, which may impact secondary protein structure as these residues differ in some properties and in silico analysis predicted the variant to be probably damaging to the protein structure/function. However, missense mutations in nearby residues have not been reported in association with arrhythmia. Therefore, based on the currently available information, it is unclear whether this variant is a pathogenic mutation or a rare benign variant. The variant is found in ARRHYTHMIA panel(s).

NM_001035.3(RYR2):c.5821C>A (p.Arg1941Ser)

Gene: RYR2 (ryanodine receptor 2; plus strand). Cytogenetic location: 1q43.
Variant type: single nucleotide variant.
Coding change: c.5821C>A on transcript NM_001035.3 (MANE Select); coding-DNA position 5821, C replaced by A.
Protein change: p.Arg1941Ser; replaces arginine 1941 with serine.
Molecular consequence: missense variant.
Genome position (GRCh38, 1-based): chr1:237,617,391, C>A. VCF-style: chr1-237617391-C-A. GRCh37 (hg19) VCF-style: chr1-237780691-C-A.
Other names: p.R1941S:CGT>AGT; c.5821C>A, p.Arg1941Ser (LRG_402t1); short protein forms R1941S.
Identifiers: ClinVar variation 201260 (VCV000201260.17), dbSNP rs754811291, ClinGen allele CA010038.
Genomic context (GRCh38, chr1:237,617,391, plus strand): 5'-CGGATAGAAGCCATTGTAGCCTTTTCAGATGATTTTGTGGCTAAGCTCCAAGACAATCAA[C>A]GTTTCCGATACAACGAAGTCATGCAAGCCTTAAACATGTCAGCTGCACTCACAGCCAGGA-3'
Protein context (NP_001026.2, residues 1931-1951): DFVAKLQDNQ[Arg1941Ser]FRYNEVMQAL